The following is an entry in ClinVar:

NM_139027.6(ADAMTS13):c.987G>T (p.Leu329=)

Gene: ADAMTS13 (ADAM metallopeptidase with thrombospondin type 1 motif 13; plus strand). Cytogenetic location: 9q34.2.
Variant type: single nucleotide variant.
Coding change: c.987G>T on transcript NM_139027.6 (MANE Select); coding-DNA position 987, G replaced by T.
Protein change: p.Leu329=; no amino-acid change (leucine 329 retained).
Molecular consequence: synonymous variant.
Genome position (GRCh38, 1-based): chr9:133,430,101, G>T. VCF-style: chr9-133430101-G-T. GRCh37 (hg19) VCF-style: chr9-136295221-G-T.
Other names: c.987G>T, p.Leu329= (NM_139025.5); c.894G>T, p.Leu298= (NM_139026.6).
Identifiers: ClinVar variation 3726433 (VCV003726433.2).

ClinVar aggregate classification (germline): Uncertain significance (1 of 4 stars; one submission).

Submission:

Labcorp Genetics (formerly Invitae), Labcorp
Classification: Uncertain significance. Last evaluated: 2024-11-30. Review status: criteria provided, single submitter. Criteria: Invitae Variant Classification Sherloc (09022015). Collection method: clinical testing. Allele origin: germline.
Comment: This sequence change affects codon 329 of the ADAMTS13 mRNA. It is a 'silent' change, meaning that it does not change the encoded amino acid sequence of the ADAMTS13 protein. This variant also falls at the last nucleotide of exon 8, which is part of the consensus splice site for this exon. This variant is not present in population databases (gnomAD no frequency). This variant has not been reported in the literature in individuals affected with ADAMTS13-related conditions. Variants that disrupt the consensus splice site are a relatively common cause of aberrant splicing (PMID: 17576681, 9536098). Algorithms developed to predict the effect of sequence changes on RNA splicing suggest that this variant may disrupt the consensus splice site. In summary, the available evidence is currently insufficient to determine the role of this variant in disease. Therefore, it has been classified as a Variant of Uncertain Significance.

Literature cited by the submitters: PubMed 17576681; PubMed 9536098.